The following is an entry in ClinVar:

ClinVar aggregate classification (germline): Uncertain significance (1 of 4 stars; one submission).

Submission:

GeneDx
Classification: Uncertain significance. Last evaluated: 2024-04-23. Review status: criteria provided, single submitter. Criteria: GeneDx Variant Classification Process June 2021. Collection method: clinical testing. Allele origin: germline. Affected: yes.
Comment: Not observed at significant frequency in large population cohorts (gnomAD); In silico analysis supports that this missense variant has a deleterious effect on protein structure/function; Has not been previously published as pathogenic or benign to our knowledge

NM_003587.5(DHX16):c.1361G>A (p.Arg454Gln)

Gene: DHX16 (DEAH-box helicase 16; minus strand). Cytogenetic location: 6p21.33.
Variant type: single nucleotide variant.
Coding change: c.1361G>A on transcript NM_003587.5 (MANE Select); coding-DNA position 1361, G replaced by A.
Protein change: p.Arg454Gln; replaces arginine 454 with glutamine.
Molecular consequence: missense variant. On other transcripts: 5 prime UTR variant (1).
Genome position (GRCh38, 1-based): chr6:30,662,978, C>T on the plus strand (G>A on the coding strand, the complement: DHX16 is on the minus strand). VCF-style: chr6-30662978-C-T. GRCh37 (hg19) VCF-style: chr6-30630755-C-T.
Other names: c.1181G>A, p.Arg394Gln (NM_001164239.2); c.-759G>A (NM_001363515.2); short protein forms R394Q, R454Q.
Identifiers: ClinVar variation 3372690 (VCV003372690.1).
Genomic context (GRCh38, chr6:30,662,978, plus strand): 5'-CCAAGCTTCACACCCATCTCCCGGGCCACTCGGGCGGCCACACTCATGGCAGCCACTCTC[C>T]GGGGTTGGGTGCAGGCAATCTTCATACCCTTGTTTGTATAACCCTGAATGACAAAGAAAA-3'
Protein context (NP_003578.2, residues 444-464): KGMKIACTQP[Arg454Gln]RVAAMSVAAR